The following is an entry in ClinVar:

ClinVar aggregate classification (germline): Uncertain significance. Review status: reviewed by expert panel (3 of 4 stars). 7 submissions from 7 submitters: Uncertain significance (1). 6 of the submissions do not count toward it. Last evaluated 2025-01-30.

Conditions:
GUCY2D-related recessive retinopathy. Also called: Recessive GUCY2D retinopathy. Identifiers: MedGen CN305603, MONDO:0100453.
GUCY2D-related disorder. Also called: GUCY2D-related condition.
Cone-rod dystrophy 6 (CORD6). Also called: RETINAL CONE DYSTROPHY 2; Cone dystrophy progressive. Identifiers: Orphanet 1872, MedGen C1866293, MONDO:0011143, OMIM 601777.
Leber congenital amaurosis 1 (LCA1). Also called: RETINAL BLINDNESS, CONGENITAL; Congenital absence of the rods and cones; Leber's congenital tapetoretinal degeneration; Leber's congenital tapetoretinal dysplasia; AMAUROSIS CONGENITA OF LEBER I. Identifiers: Orphanet 65, MedGen C2931258, MONDO:0008764, OMIM 204000.

Allele frequency attached by ClinVar (database versions not stated): ESP Exome Variant Server 0.00054; gnomAD 0.00013; TOPMed 0.00029; gnomAD exomes 0.00038 and 0.00041; ExAC 0.00047.
gnomAD v4.1: 630 of 1,613,968 alleles (0.039%); highest among the groups gnomAD compares: Non-Finnish European, 0.049%; no homozygotes.

Submissions (7):

ClinGen Leber Congenital Amaurosis/early Onset Retinal Dystrophy Variant Curation Expert Panel, ClinGen
Classification: Uncertain significance for GUCY2D-related recessive retinopathy. Last evaluated: 2025-01-30. Review status: reviewed by expert panel. Criteria: ClinGen LCAeoRD ACMG Specifications GUCY2D V1.0.0. Collection method: curation. Allele origin: germline. Inheritance: Autosomal recessive inheritance.
Comment: The NM_000180.4(GUCY2D):c.1979G>A (p.Arg660Gln) variant is predicted to replace the arginine at position p.660 with glutamine. The computational predictor REVEL gives a score of 0.655, which is above the ClinGen LCA / eoRD VCEP threshold of ≥0.644 and predicts a damaging effect on RetGC-1 protein function (PP3). At least one proband harboring this variant exhibits a phenotype including diagnosis of LCA (0.5 pts) as an infant (1 pt). Ophthalmoscopy showed attenuated retinal vessels and a granular appearance to the fundus (0.5 pts), Visual field was limited to a central island of function (1 pt). Rod ERGs extinguished (0.5 pts), cone ERGs severely reduced (1 pt). Together these are specific for GUCY2D-related recessive retinopathy. (6.5 points total, PMID: 12623820, PP4). This variant is present in gnomAD v.4.1.0 at a total allele frequency of 0.0003903, with 630 alleles / 1,613,968 total alleles, which is lower than the ClinGen LCA/eoRD VCEP PM2_Supporting threshold of <0.0004 (PM2_Supporting). This variant has been reported in at least 1 proband with early-onset severe retinal dystrophy who harbored the variant in the presumed compound heterozygous state (PMID: 21602930). However, the proband was not counted for this criterion because the other variant, p.Glu103Val, has not yet been classified and was not confirmed to be in trans with p.Arg660Gln (0 pts). PM3_Supporting requires at least 0.5 total points, so this criterion was not met. In summary, this variant meets the criteria to be classified as VUS for GUCY2D-related recessive retinopathy based on the ACMG/AMP criteria applied, as specified by the ClinGen LCA/eoRD VCEP: PM2_supporting, PP3, PP4. (VCEP specifications version 1.0.0; date of approval 01/22/2025).

PreventionGenetics, part of Exact Sciences
Classification: Uncertain significance for GUCY2D-related condition. Last evaluated: 2026-08-04. Review status: criteria provided, single submitter. Criteria: ACMG Guidelines, 2015. Collection method: clinical testing. Allele origin: germline. Not counted in ClinVar's aggregate classification.
Comment: The GUCY2D c.1979G>A variant is predicted to result in the amino acid substitution p.Arg660Gln. This variant has been reported in individuals with Leber congenital amaurosis (Milam et al. 2003. PubMed ID: 12623820; Table S3, Li et al. 2011. PubMed ID: 21602930). This variant is reported in 0.068% of alleles in individuals of European (Non-Finnish) descent in gnomAD. This variant has been classified as a variant of uncertain significance by the ClinGen Leber Congenital Amaurosis/early Onset Retinal Dystrophy Variant Curation Expert Panel in ClinVar (Variation ID: 98555). At this time, the clinical significance of this variant is uncertain due to the absence of conclusive functional and genetic evidence.

Labcorp Genetics (formerly Invitae), Labcorp
Classification: Uncertain significance for Leber congenital amaurosis 1; Cone-rod dystrophy 6. Last evaluated: 2024-12-21. Review status: criteria provided, single submitter. Criteria: Invitae Variant Classification Sherloc (09022015). Collection method: clinical testing. Allele origin: germline. Not counted in ClinVar's aggregate classification.
Comment: This sequence change replaces arginine, which is basic and polar, with glutamine, which is neutral and polar, at codon 660 of the GUCY2D protein (p.Arg660Gln). This variant is present in population databases (rs61750162, gnomAD 0.07%). This missense change has been observed in individual(s) with Leber congenital amaurosis (PMID: 10766140, 20079931). In at least one individual the data is consistent with being in trans (on the opposite chromosome) from a pathogenic variant. ClinVar contains an entry for this variant (Variation ID: 98555). Invitae Evidence Modeling of protein sequence and biophysical properties (such as structural, functional, and spatial information, amino acid conservation, physicochemical variation, residue mobility, and thermodynamic stability) indicates that this missense variant is not expected to disrupt GUCY2D protein function with a negative predictive value of 80%. This variant disrupts the p.Arg660 amino acid residue in GUCY2D. Other variant(s) that disrupt this residue have been observed in individuals with GUCY2D-related conditions (PMID: 21602930), which suggests that this may be a clinically significant amino acid residue. In summary, the available evidence is currently insufficient to determine the role of this variant in disease. Therefore, it has been classified as a Variant of Uncertain Significance.

GeneDx
Classification: Uncertain significance. Last evaluated: 2024-12-12. Review status: criteria provided, single submitter. Criteria: GeneDx Variant Classification Process June 2021. Collection method: clinical testing. Allele origin: germline. Affected: yes. Not counted in ClinVar's aggregate classification.
Comment: In silico analysis supports that this missense variant has a deleterious effect on protein structure/function; Identified in the heterozygous state in an individual with Leber congenital amaurosis in published literature, however familial segregation information was not reported (PMID: 10766140); Observed with an additional GUCY2D variant in patients with Leber congenital amaurosis in published literature, but it is not known whether the variants occurred on the same (in cis) or on different (in trans) chromosomes (PMID: 27375279); This variant is associated with the following publications: (PMID: 21602930, 29061346, 20079931, 34048777, 27375279, 10766140)

Blueprint Genetics
Classification: Uncertain significance. Last evaluated: 2024-09-03. Review status: criteria provided, single submitter. Criteria: ACMG Guidelines, 2015. Collection method: clinical testing. Allele origin: germline. Not counted in ClinVar's aggregate classification.

Women's Health and Genetics/Laboratory Corporation of America, LabCorp
Classification: Uncertain significance. Last evaluated: 2023-09-06. Review status: criteria provided, single submitter. Criteria: LabCorp Variant Classification Summary - May 2015. Collection method: clinical testing. Allele origin: germline. Not counted in ClinVar's aggregate classification.
Comment: Variant summary: GUCY2D c.1979G>A (p.Arg660Gln) results in a conservative amino acid change located in the serine-threonine/tyrosine-protein kinase, catalytic domain (IPR001245) of the encoded protein sequence. Three of five in-silico tools predict a damaging effect of the variant on protein function. The variant allele was found at a frequency of 0.00038 in 251346 control chromosomes. This frequency is not significantly higher than estimated for a pathogenic variant in GUCY2D causing Leber Congenital Amaurosis (0.00038 vs 0.0022), allowing no conclusion about variant significance. c.1979G>A has been reported in the literature in the heterozygous state in individuals affected with Leber Congenital Amaurosis, including in a pair of affected siblings where an unspecified deletion was suspected to be inherited in trans, however it was located outside of the coding region of the GUCY2D gene (e.g. Lotery_2000, Milam_2003, Walia_2010). These reports do not provide unequivocal conclusions about association of the variant with Leber Congenital Amaurosis. To our knowledge, no experimental evidence demonstrating an impact on protein function has been reported. The following publications have been ascertained in the context of this evaluation (PMID: 10766140, 12623820, 20079931). Two submitters have cited clinical-significance assessments for this variant to ClinVar after 2014 and both classified the variant as uncertain significance. Based on the evidence outlined above, the variant was classified as uncertain significance.

Retina International
No classification provided. Review status: no classification provided. Collection method: not provided. Allele origin: not provided. Not counted in ClinVar's aggregate classification.

Literature cited by the submitters: PubMed 10766140 (cited by Labcorp Genetics (formerly Invitae), Labcorp and Women's Health and Genetics/Laboratory Corporation of America, LabCorp); PubMed 20079931 (cited by Labcorp Genetics (formerly Invitae), Labcorp and Women's Health and Genetics/Laboratory Corporation of America, LabCorp); PubMed 21602930 (cited by Labcorp Genetics (formerly Invitae), Labcorp); PubMed 12623820 (cited by Women's Health and Genetics/Laboratory Corporation of America, LabCorp).

NM_000180.4(GUCY2D):c.1979G>A (p.Arg660Gln)

Gene: GUCY2D (guanylate cyclase 2D, retinal; plus strand). Cytogenetic location: 17p13.1.
Variant type: single nucleotide variant.
Coding change: c.1979G>A on transcript NM_000180.4 (MANE Select); coding-DNA position 1979, G replaced by A.
Protein change: p.Arg660Gln; replaces arginine 660 with glutamine.
Molecular consequence: missense variant.
Genome position (GRCh38, 1-based): chr17:8,012,472, G>A. VCF-style: chr17-8012472-G-A. GRCh37 (hg19) VCF-style: chr17-7915790-G-A.
Other names: NM_000180.4(GUCY2D):c.1979G>A; short protein forms R660Q.
Identifiers: ClinVar variation 98555 (VCV000098555.14), dbSNP rs61750162, ClinGen allele CA226064.